The following is an entry in ClinVar:

NM_000343.4(SLC5A1):c.182C>T (p.Ala61Val)

Gene: SLC5A1 (solute carrier family 5 member 1; plus strand). Cytogenetic location: 22q12.3.
Variant type: single nucleotide variant.
Coding change: c.182C>T on transcript NM_000343.4 (MANE Select); coding-DNA position 182, C replaced by T.
Protein change: p.Ala61Val; replaces alanine 61 with valine.
Molecular consequence: missense variant.
Genome position (GRCh38, 1-based): chr22:32,049,989, C>T. VCF-style: chr22-32049989-C-T. GRCh37 (hg19) VCF-style: chr22-32445976-C-T.
Other names: short protein forms A61V.
Identifiers: ClinVar variation 1402996 (VCV001402996.7), dbSNP rs1277952619, ClinGen allele CA411309267.
Genomic context (GRCh38, chr22:32,049,989, plus strand): 5'-CCTTTCCTCCTCAGGCTATGTTTTCCACCAATCGTGGGACTGTTGGAGGCTTCTTCCTGG[C>T]AGGCCGAAGTATGGTGTGGTGGCCGGTAAGTTTTCTCTGAAATGCTATTTACATAACTGC-3'
Protein context (NP_000334.1, residues 51-71): NRGTVGGFFL[Ala61Val]GRSMVWWPIG

ClinVar aggregate classification (germline): Uncertain significance. Review status: criteria provided, multiple submitters, no conflicts (2 of 4 stars). 2 submissions from 2 submitters: Uncertain significance (2). Last evaluated 2024-09-12.

Conditions:
Congenital glucose-galactose malabsorption (GGM). Also called: DIARRHEA 16; MONOSACCHARIDE MALABSORPTION. Identifiers: Orphanet 35710, MedGen C0268186, MONDO:0011731, OMIM 606824.

Allele frequency attached by ClinVar (database versions not stated): gnomAD exomes below 0.00001; TOPMed below 0.00001; gnomAD 0.00001.
gnomAD v4.1: 3 of 1,613,960 alleles (0.00019%); highest among the groups gnomAD compares: Non-Finnish European, 0.00025%; no homozygotes.

Submissions (2):

Labcorp Genetics (formerly Invitae), Labcorp
Classification: Uncertain significance for Congenital glucose-galactose malabsorption. Last evaluated: 2024-09-12. Review status: criteria provided, single submitter. Criteria: Invitae Variant Classification Sherloc (09022015). Collection method: clinical testing. Allele origin: germline.
Comment: This sequence change replaces alanine, which is neutral and non-polar, with valine, which is neutral and non-polar, at codon 61 of the SLC5A1 protein (p.Ala61Val). This variant is present in population databases (no rsID available, gnomAD 0.0009%). This variant has not been reported in the literature in individuals affected with SLC5A1-related conditions. ClinVar contains an entry for this variant (Variation ID: 1402996). An algorithm developed to predict the effect of missense changes on protein structure and function (PolyPhen-2) suggests that this variant is likely to be disruptive. In summary, the available evidence is currently insufficient to determine the role of this variant in disease. Therefore, it has been classified as a Variant of Uncertain Significance.

Fulgent Genetics
Classification: Uncertain significance for Congenital glucose-galactose malabsorption. Last evaluated: 2021-10-13. Review status: criteria provided, single submitter. Criteria: ACMG Guidelines, 2015. Collection method: clinical testing. Allele origin: unknown.